The following is an entry in ClinVar:

ClinVar aggregate classification (germline): Benign/Likely benign. Review status: criteria provided, multiple submitters, no conflicts (2 of 4 stars). 7 submissions from 5 submitters: Benign (6); Likely benign (1). Last evaluated 2026-01-07.

Conditions:
Cryopyrin associated periodic syndrome (CAPS). Identifiers: Orphanet 208650, MedGen C2316212, MONDO:0016168.
Chronic infantile neurological, cutaneous and articular syndrome (CINCA). Also called: Prieur Griscelli syndrome; CRYOPYRIN-ASSOCIATED PERIODIC SYNDROME 3; CINCA syndrome; CHRONIC NEUROLOGIC CUTANEOUS AND ARTICULAR SYNDROME. Identifiers: Orphanet 1451, MedGen C0409818, MONDO:0011776, OMIM 607115.
Familial amyloid nephropathy with urticaria AND deafness (MWS). Also called: UDA SYNDROME; URTICARIA-DEAFNESS-AMYLOIDOSIS SYNDROME; Urticaria, deafness and amyloidosis; CRYOPYRIN-ASSOCIATED PERIODIC SYNDROME 2; MUCKLE-WELLS SYNDROME. Identifiers: Orphanet 575, MedGen C0268390, MONDO:0008633, OMIM 191900.
Familial cold autoinflammatory syndrome 1 (FCAS1). Also called: Familial cold inflammatory syndrome 1; CRYOPYRIN-ASSOCIATED PERIODIC SYNDROME 1. Identifiers: Orphanet 47045, MedGen C4551895, MONDO:0007349, OMIM 120100.

Allele frequency attached by ClinVar (database versions not stated): gnomAD 0.00006 and 0.00007; ESP Exome Variant Server 0.00008; gnomAD exomes 0.00008 and 0.00014; TOPMed 0.00011; ExAC 0.00017.
gnomAD v4.1: 128 of 1,612,422 alleles (0.0079%); highest among the groups gnomAD compares: Admixed American, 0.0084%; no homozygotes.

Submissions (7):

Labcorp Genetics (formerly Invitae), Labcorp
Classification: Benign for Cryopyrin associated periodic syndrome. Last evaluated: 2026-01-07. Review status: criteria provided, single submitter. Criteria: Invitae Variant Classification Sherloc (09022015). Collection method: clinical testing. Allele origin: germline.

Women's Health and Genetics/Laboratory Corporation of America, LabCorp
Classification: Benign. Last evaluated: 2024-09-24. Review status: criteria provided, single submitter. Criteria: LabCorp Variant Classification Summary - May 2015. Collection method: clinical testing. Allele origin: germline.
Comment: Variant summary: NLRP3 c.404-15C>T alters a non-conserved nucleotide located at a position not widely known to affect splicing. Consensus agreement among computation tools predict no significant impact on normal splicing. However, these predictions have yet to be confirmed by functional studies. The variant allele was found at a frequency of 0.00014 in 249818 control chromosomes. The observed variant frequency is approximately 224.16 fold of the estimated maximal expected allele frequency for a pathogenic variant in NLRP3 causing Cryopyrin Associated Periodic Syndrome phenotype (6.3e-07). To our knowledge, no occurrence of c.404-15C>T in individuals affected with Cryopyrin Associated Periodic Syndrome and no experimental evidence demonstrating its impact on protein function have been reported. ClinVar contains an entry for this variant (Variation ID: 875772). Based on the evidence outlined above, the variant was classified as benign.

Blueprint Genetics
Classification: Likely benign. Last evaluated: 2024-01-30. Review status: criteria provided, single submitter. Criteria: ACMG Guidelines, 2015. Collection method: clinical testing. Allele origin: germline.

Illumina Laboratory Services, Illumina
Classification: Benign for Chronic infantile neurological, cutaneous and articular syndrome. Last evaluated: 2018-01-13. Review status: criteria provided, single submitter. Criteria: ICSL Variant Classification Criteria 13 December 2019. Collection method: clinical testing. Allele origin: germline.
Comment: This variant was observed in the ICSL laboratory as part of a predisposition screen in an ostensibly healthy population. It had not been previously curated by ICSL or reported in the Human Gene Mutation Database (HGMD: prior to June 1st, 2018), and was therefore a candidate for classification through an automated scoring system. Utilizing variant allele frequency, disease prevalence and penetrance estimates, and inheritance mode, an automated score was calculated to assess if this variant is too frequent to cause the disease. Based on the score and internal cut-off values, a variant classified as benign is not then subjected to further curation. The score for this variant resulted in a classification of benign for this disease.

Illumina Laboratory Services, Illumina
Classification: Benign for Familial amyloid nephropathy with urticaria AND deafness. Last evaluated: 2018-01-13. Review status: criteria provided, single submitter. Criteria: ICSL Variant Classification Criteria 13 December 2019. Collection method: clinical testing. Allele origin: germline.
Comment: the same text as in the submission from Illumina Laboratory Services, Illumina above.

Illumina Laboratory Services, Illumina
Classification: Benign for Familial cold autoinflammatory syndrome 1. Last evaluated: 2018-01-13. Review status: criteria provided, single submitter. Criteria: ICSL Variant Classification Criteria 13 December 2019. Collection method: clinical testing. Allele origin: germline.
Comment: the same text as in the submission from Illumina Laboratory Services, Illumina above.

GeneDx
Classification: Benign. Last evaluated: 2015-03-03. Review status: criteria provided, single submitter. Criteria: GeneDx Variant Classification Process June 2021. Collection method: clinical testing. Allele origin: germline. Affected: yes.

NM_001243133.2(NLRP3):c.398-15C>T

Gene: NLRP3 (NLR family pyrin domain containing 3; plus strand). Cytogenetic location: 1q44.
Variant type: single nucleotide variant.
Coding change: c.398-15C>T on transcript NM_001243133.2 (MANE Select); 15 bases into the intron before coding-DNA position 398, C replaced by T.
Molecular consequence: intron variant.
Genome position (GRCh38, 1-based): chr1:247,423,832, C>T. VCF-style: chr1-247423832-C-T. GRCh37 (hg19) VCF-style: chr1-247587134-C-T.
Other names: c.404-15C>T (NM_004895.5); c.398-15C>T (NM_001127461.3, NM_001127462.3, NM_183395.3 and 1 more transcripts).
Identifiers: ClinVar variation 875772 (VCV000875772.15), dbSNP rs200906786, ClinGen allele CA1494861.